The following is an entry in ClinVar:

ClinVar aggregate classification (germline): Uncertain significance. Review status: criteria provided, multiple submitters, no conflicts (2 of 4 stars). 4 submissions from 4 submitters: Uncertain significance (4). Last evaluated 2025-11-22.

Conditions:
Arrhythmogenic cardiomyopathy with wooly hair and keratoderma. Also called: Dilated cardiomyopathy with woolly hair and keratoderma; PALMOPLANTAR KERATODERMA WITH LEFT VENTRICULAR CARDIOMYOPATHY AND WOOLLY HAIR; Arrhythmogenic cardiomyopathy with woolly hair and keratoderma; Carvajal syndrome. Identifiers: Orphanet 65282, MedGen C1854063, MONDO:0011581, OMIM 605676.
Arrhythmogenic right ventricular dysplasia 8 (ARVD8). Also called: Arrhythmogenic Right Ventricular Dysplasia/Cardiomyopathy 8; ARRHYTHMOGENIC RIGHT VENTRICULAR DYSPLASIA, FAMILIAL, 8; ARRHYTHMOGENIC RIGHT VENTRICULAR CARDIOMYOPATHY 8. Identifiers: MedGen C1843896, MONDO:0011831, OMIM 607450.
Cardiovascular phenotype. Identifiers: MedGen CN230736.

Allele frequency attached by ClinVar (database versions not stated): gnomAD exomes below 0.00001; TOPMed 0.00001; gnomAD 0.00001.
gnomAD v4.1: 2 of 1,613,982 alleles (0.00012%); highest among the groups gnomAD compares: Admixed American, 0.0033%; no homozygotes.

Submissions (4):

Ambry Genetics
Classification: Uncertain significance for Cardiovascular phenotype. Last evaluated: 2025-11-22. Review status: criteria provided, single submitter. Criteria: Ambry Variant Classification Scheme 2023. Collection method: clinical testing. Allele origin: germline.
Comment: The p.A1067V variant (also known as c.3200C>T), located in coding exon 23 of the DSP gene, results from a C to T substitution at nucleotide position 3200. The alanine at codon 1067 is replaced by valine, an amino acid with similar properties. This amino acid position is conserved. In addition, this alteration is predicted to be tolerated by in silico analysis. Based on the available evidence, the clinical significance of this variant remains unclear.

Labcorp Genetics (formerly Invitae), Labcorp
Classification: Uncertain significance for Arrhythmogenic cardiomyopathy with wooly hair and keratoderma; Arrhythmogenic right ventricular dysplasia 8. Last evaluated: 2024-09-29. Review status: criteria provided, single submitter. Criteria: Invitae Variant Classification Sherloc (09022015). Collection method: clinical testing. Allele origin: germline.
Comment: This sequence change replaces alanine, which is neutral and non-polar, with valine, which is neutral and non-polar, at codon 1067 of the DSP protein (p.Ala1067Val). This variant is not present in population databases (gnomAD no frequency). This variant has not been reported in the literature in individuals affected with DSP-related conditions. ClinVar contains an entry for this variant (Variation ID: 517399). An algorithm developed to predict the effect of missense changes on protein structure and function (PolyPhen-2) suggests that this variant is likely to be tolerated. In summary, the available evidence is currently insufficient to determine the role of this variant in disease. Therefore, it has been classified as a Variant of Uncertain Significance.

Stanford Center for Inherited Cardiovascular Disease, Stanford University
Classification: Uncertain significance. Last evaluated: 2017-06-02. Review status: criteria provided, single submitter. Criteria: ACMG Guidelines, 2015. Collection method: provider interpretation. Allele origin: germline.

Laboratory for Molecular Medicine, Mass General Brigham Personalized Medicine
Classification: Uncertain significance. Last evaluated: 2017-05-19. Review status: criteria provided, single submitter. Criteria: LMM Criteria. Collection method: clinical testing. Allele origin: germline. Observed: 1 variant allele.
Comment: The p.Ala1067Val variant in DSP has not been previously reported in individuals with cardiomyopathy or in large population studies. Computational prediction too ls and conservation analysis suggest that the p.Ala1067Val variant may not impac t the protein, though this information is not predictive enough to rule out path ogenicity. While this variant is located within an exon, computational tools sug gest the creation of a novel splice site; however, this information is not predi ctive enough to determine pathogenicity. In summary, the clinical significance o f the p.Ala1067Val variant is uncertain.

NM_004415.4(DSP):c.3200C>T (p.Ala1067Val)

Gene: DSP (desmoplakin; plus strand). Cytogenetic location: 6p24.3.
Variant type: single nucleotide variant.
Coding change: c.3200C>T on transcript NM_004415.4 (MANE Select); coding-DNA position 3200, C replaced by T.
Protein change: p.Ala1067Val; replaces alanine 1067 with valine.
Molecular consequence: missense variant.
Genome position (GRCh38, 1-based): chr6:7,579,390, C>T. VCF-style: chr6-7579390-C-T. GRCh37 (hg19) VCF-style: chr6-7579623-C-T.
Other names: c.3200C>T, p.Ala1067Val (NM_001008844.3, NM_001319034.2); short protein forms A1067V.
Identifiers: ClinVar variation 517399 (VCV000517399.9), dbSNP rs1317030435, ClinGen allele CA362683282.